The following is an entry in ClinVar:

GRCh38/hg38 8p23.3-23.1(chr8:241530-7195723)x1

Genes: AGPAT5 (1-acylglycerol-3-phosphate O-acyltransferase 5; plus strand), ANGPT2 (angiopoietin 2; minus strand), ARHGEF10 (Rho guanine nucleotide exchange factor 10; plus strand), CLN8 (CLN8 transmembrane ER and ERGIC protein; plus strand), CLN8-AS1 (CLN8 antisense RNA 1; minus strand) and 121 more. Cytogenetic location: 8p23.3-23.1.
Variant type: copy number loss.
Change: copy number 1 (one copy instead of two) of chr8:241,530-7,195,723 (6.95 Mb, GRCh38 coordinates, 1-based), cytogenetic band 8p23.3-23.1.
Identifiers: ClinVar variation 60341 (VCV000060341.1).

ClinVar aggregate classification (germline): Pathogenic (1 of 4 stars; one submission).

Submission:

ISCA site 4
Classification: Pathogenic. Last evaluated: 2011-08-12. Review status: criteria provided, single submitter. Criteria: Kaminsky et al. (Genet Med. 2011). Collection method: clinical testing. Allele origin: unknown. Affected: yes. Observed: 1 variant allele.
Comment: Copy number variation identified through the course of routine clinical cytogenomic testing in postnatal populations. Clinical assertions have been curated as described in Kaminsky et al. 2011.